The following is an entry in ClinVar:

NM_015450.3(POT1):c.1730A>G (p.Asp577Gly)

Gene: POT1 (protection of telomeres 1; minus strand). Cytogenetic location: 7q31.33.
Variant type: single nucleotide variant.
Coding change: c.1730A>G on transcript NM_015450.3 (MANE Select); coding-DNA position 1730, A replaced by G.
Protein change: p.Asp577Gly; replaces aspartic acid 577 with glycine.
Molecular consequence: missense variant. On other transcripts: non-coding transcript variant (3).
Genome position (GRCh38, 1-based): chr7:124,825,314, T>C on the plus strand (A>G on the coding strand, the complement: POT1 is on the minus strand). VCF-style: chr7-124825314-T-C. GRCh37 (hg19) VCF-style: chr7-124465368-T-C.
Other names: c.1337A>G, p.Asp446Gly (NM_001042594.2); short protein forms D577G, D446G.
Identifiers: ClinVar variation 966272 (VCV000966272.11), dbSNP rs1794603644, ClinGen allele CA369062387.

ClinVar aggregate classification (germline): Uncertain significance. Review status: criteria provided, multiple submitters, no conflicts (2 of 4 stars). 2 submissions from 2 submitters: Uncertain significance (2). Last evaluated 2024-09-14.

Conditions:
Tumor predisposition syndrome 3 (TPDS3). Also called: Melanoma, cutaneous malignant, susceptibility to, 10; Glioma susceptibility 9; LONG TELOMERE SYNDROME, POT1-RELATED; POT1 Tumor Predisposition. Identifiers: Orphanet 618, MedGen C4014476, MONDO:0014368, OMIM 615848.
Hereditary cancer-predisposing syndrome. Also called: Tumor predisposition; Hereditary Cancer Syndrome; Neoplastic Syndromes, Hereditary; Hereditary neoplastic syndrome. Identifiers: Orphanet 140162, MedGen C0027672, MeSH D009386, MONDO:0015356.

Submissions (2):

Labcorp Genetics (formerly Invitae), Labcorp
Classification: Uncertain significance for Tumor predisposition syndrome 3. Last evaluated: 2024-09-14. Review status: criteria provided, single submitter. Criteria: Invitae Variant Classification Sherloc (09022015). Collection method: clinical testing. Allele origin: germline.
Comment: This sequence change replaces aspartic acid, which is acidic and polar, with glycine, which is neutral and non-polar, at codon 577 of the POT1 protein (p.Asp577Gly). This variant is not present in population databases (gnomAD no frequency). This variant has not been reported in the literature in individuals affected with POT1-related conditions. ClinVar contains an entry for this variant (Variation ID: 966272). Invitae Evidence Modeling of protein sequence and biophysical properties (such as structural, functional, and spatial information, amino acid conservation, physicochemical variation, residue mobility, and thermodynamic stability) indicates that this missense variant is not expected to disrupt POT1 protein function with a negative predictive value of 80%. In summary, the available evidence is currently insufficient to determine the role of this variant in disease. Therefore, it has been classified as a Variant of Uncertain Significance.

Ambry Genetics
Classification: Uncertain significance for Hereditary cancer-predisposing syndrome. Last evaluated: 2024-04-12. Review status: criteria provided, single submitter. Criteria: Ambry Variant Classification Scheme 2023. Collection method: clinical testing. Allele origin: germline.
Comment: The p.D577G variant (also known as c.1730A>G), located in coding exon 14 of the POT1 gene, results from an A to G substitution at nucleotide position 1730. The aspartic acid at codon 577 is replaced by glycine, an amino acid with similar properties. This amino acid position is conserved. In addition, this alteration is predicted to be tolerated by in silico analysis. Based on the available evidence, the clinical significance of this variant remains unclear.